The following is an entry in ClinVar:

NM_144997.7(FLCN):c.359T>C (p.Ile120Thr)

Gene: FLCN (folliculin; minus strand). Cytogenetic location: 17p11.2.
Variant type: single nucleotide variant.
Coding change: c.359T>C on transcript NM_144997.7 (MANE Select); coding-DNA position 359, T replaced by C.
Protein change: p.Ile120Thr; replaces isoleucine 120 with threonine.
Molecular consequence: missense variant.
Genome position (GRCh38, 1-based): chr17:17,226,213, A>G on the plus strand (T>C on the coding strand, the complement: FLCN is on the minus strand). VCF-style: chr17-17226213-A-G. GRCh37 (hg19) VCF-style: chr17-17129527-A-G.
Other names: c.359T>C, p.Ile120Thr (NM_001353229.2, NM_001353230.2, NM_001353231.2 and 1 more transcripts); short protein forms I120T.
Identifiers: ClinVar variation 4025312 (VCV004025312.1).

ClinVar aggregate classification (germline): Uncertain significance (1 of 4 stars; one submission).

Conditions:
Hereditary cancer-predisposing syndrome. Also called: Tumor predisposition; Hereditary neoplastic syndrome; Neoplastic Syndromes, Hereditary; Hereditary Cancer Syndrome. Identifiers: Orphanet 140162, MedGen C0027672, MeSH D009386, MONDO:0015356.

Submission:

Ambry Genetics
Classification: Uncertain significance for Hereditary cancer-predisposing syndrome. Last evaluated: 2025-04-21. Review status: criteria provided, single submitter. Criteria: Ambry Variant Classification Scheme 2023. Collection method: clinical testing. Allele origin: germline.
Comment: The p.I120T variant (also known as c.359T>C), located in coding exon 2 of the FLCN gene, results from a T to C substitution at nucleotide position 359. The isoleucine at codon 120 is replaced by threonine, an amino acid with similar properties. This amino acid position is conserved. In addition, the in silico prediction for this alteration is inconclusive. Based on the available evidence, the clinical significance of this variant remains unclear.